The following is an entry in ClinVar:

NM_032638.5(GATA2):c.1376T>A (p.Ile459Asn)

Gene: GATA2 (GATA binding protein 2; minus strand). Cytogenetic location: 3q21.3.
Variant type: single nucleotide variant.
Coding change: c.1376T>A on transcript NM_032638.5 (MANE Select); coding-DNA position 1376, T replaced by A.
Protein change: p.Ile459Asn; replaces isoleucine 459 with asparagine.
Molecular consequence: missense variant.
Genome position (GRCh38, 1-based): chr3:128,481,086, A>T on the plus strand (T>A on the coding strand, the complement: GATA2 is on the minus strand). VCF-style: chr3-128481086-A-T. GRCh37 (hg19) VCF-style: chr3-128199929-A-T.
Other names: c.1376T>A, p.Ile459Asn (NM_001145661.2); c.1334T>A, p.Ile445Asn (NM_001145662.1); short protein forms I445N, I459N.
Identifiers: ClinVar variation 861316 (VCV000861316.12), dbSNP rs369407958, ClinGen allele CA2599785.

ClinVar aggregate classification (germline): Uncertain significance. Review status: criteria provided, multiple submitters, no conflicts (2 of 4 stars). 3 submissions from 3 submitters: Uncertain significance (3). Last evaluated 2025-01-15.

Conditions:
Deafness-lymphedema-leukemia syndrome. Also called: Emberger syndrome; Lymphedema, primary, with myelodysplasia. Identifiers: Orphanet 3226, MedGen C3279664, MONDO:0013540, OMIM 614038.
Monocytopenia with susceptibility to infections. Also called: MONOCYTOPENIA AND MYCOBACTERIAL INFECTION SYNDROME; MONOCYTOPENIA WITH SUSCEPTIBILITY TO MYCOBACTERIAL, FUNGAL, AND PAPILLOMAVIRUS INFECTIONS AND MYELODYSPLASIA; COMBINED IMMUNODEFICIENCY WITH SUSCEPTIBILITY TO MYCOBACTERIAL, VIRAL, AND FUNGAL INFECTIONS; Dendritic cell, monocyte, B lymphocyte, and natural killer lymphocyte deficiency; IMMUNODEFICIENCY 21; GATA2 DEFICIENCY. Identifiers: Orphanet 228423, MedGen C3280030, MONDO:0013607, OMIM 614172.
Inborn genetic diseases. Identifiers: MedGen C0950123, MeSH D030342.

Allele frequency attached by ClinVar (database versions not stated): ESP Exome Variant Server 0.00008; gnomAD 0.00001.
gnomAD v4.1: 4 of 1,608,412 alleles (0.00025%); highest among the groups gnomAD compares: African/African-American, 0.0027%; no homozygotes.

Submissions (3):

Ambry Genetics
Classification: Uncertain significance for Inborn genetic diseases. Last evaluated: 2025-01-15. Review status: criteria provided, single submitter. Criteria: Ambry Variant Classification Scheme 2023. Collection method: clinical testing. Allele origin: germline.
Comment: The p.I459N variant (also known as c.1376T>A), located in coding exon 5 of the GATA2 gene, results from a T to A substitution at nucleotide position 1376. The isoleucine at codon 459 is replaced by asparagine, an amino acid with dissimilar properties. This amino acid position is highly conserved in available vertebrate species. In addition, this alteration is predicted to be deleterious by in silico analysis. Based on the available evidence, the clinical significance of this variant remains unclear.

Labcorp Genetics (formerly Invitae), Labcorp
Classification: Uncertain significance for Monocytopenia with susceptibility to infections; Deafness-lymphedema-leukemia syndrome. Last evaluated: 2024-12-24. Review status: criteria provided, single submitter. Criteria: Invitae Variant Classification Sherloc (09022015). Collection method: clinical testing. Allele origin: germline.
Comment: This sequence change replaces isoleucine, which is neutral and non-polar, with asparagine, which is neutral and polar, at codon 459 of the GATA2 protein (p.Ile459Asn). This variant is present in population databases (rs369407958, gnomAD 0.01%). This variant has not been reported in the literature in individuals affected with GATA2-related conditions. ClinVar contains an entry for this variant (Variation ID: 861316). Invitae Evidence Modeling of protein sequence and biophysical properties (such as structural, functional, and spatial information, amino acid conservation, physicochemical variation, residue mobility, and thermodynamic stability) indicates that this missense variant is expected to disrupt GATA2 protein function with a positive predictive value of 95%. In summary, the available evidence is currently insufficient to determine the role of this variant in disease. Therefore, it has been classified as a Variant of Uncertain Significance.

GeneDx
Classification: Uncertain significance. Last evaluated: 2024-03-01. Review status: criteria provided, single submitter. Criteria: GeneDx Variant Classification Process June 2021. Collection method: clinical testing. Allele origin: germline.
Comment: Not observed at significant frequency in large population cohorts (gnomAD); In silico analysis supports that this missense variant does not alter protein structure/function; Has not been previously published as pathogenic or benign to our knowledge